The following is an entry in ClinVar:

ClinVar aggregate classification (germline): Uncertain significance (1 of 4 stars; one submission).

Conditions:
Inborn genetic diseases. Identifiers: MedGen C0950123, MeSH D030342.

Submission:

Ambry Genetics
Classification: Uncertain significance for Inborn genetic diseases. Last evaluated: 2025-07-28. Review status: criteria provided, single submitter. Criteria: Ambry Variant Classification Scheme 2023. Collection method: clinical testing. Allele origin: germline.
Comment: The p.D681N variant (also known as c.2041G>A), located in coding exon 12 of the RECQL4 gene, results from a G to A substitution at nucleotide position 2041. The aspartic acid at codon 681 is replaced by asparagine, an amino acid with highly similar properties. This amino acid position is conserved. In addition, this alteration is predicted to be tolerated by in silico analysis. Based on the available evidence, the clinical significance of this variant remains unclear.

NM_004260.4(RECQL4):c.2041G>A (p.Asp681Asn)

Gene: RECQL4 (RecQ like helicase 4; minus strand). Cytogenetic location: 8q24.3.
Variant type: single nucleotide variant.
Coding change: c.2041G>A on transcript NM_004260.4 (MANE Select); coding-DNA position 2041, G replaced by A.
Protein change: p.Asp681Asn; replaces aspartic acid 681 with asparagine.
Molecular consequence: missense variant. On other transcripts: non-coding transcript variant (3).
Genome position (GRCh38, 1-based): chr8:144,513,945, C>T on the plus strand (G>A on the coding strand, the complement: RECQL4 is on the minus strand). VCF-style: chr8-144513945-C-T. GRCh37 (hg19) VCF-style: chr8-145739329-C-T.
Other names: c.1945G>A, p.Asp649Asn (NM_001413017.1, NM_001413020.1); c.2041G>A, p.Asp681Asn (NM_001413018.1, NM_001413019.1, NM_001413036.1); c.904G>A, p.Asp302Asn (NM_001413030.1, NM_001413032.1, NM_001413027.1 and 1 more transcripts); c.772G>A, p.Asp258Asn (NM_001413031.1); c.1909G>A, p.Asp637Asn (NM_001413033.1); c.970G>A, p.Asp324Asn (NM_001413034.1, NM_001413035.1, NM_001413038.1 and 6 more transcripts); c.838G>A, p.Asp280Asn (NM_001413037.1); c.2011G>A, p.Asp671Asn (NM_001413039.1); and 4 more; short protein forms D280N, D564N, D192N, D314N, D638N, D302N, D637N, D649N.
Identifiers: ClinVar variation 4152396 (VCV004152396.1).